The following is an entry in ClinVar:

NM_020693.4(DSCAML1):c.3084G>T (p.Glu1028Asp)

Gene: DSCAML1 (DS cell adhesion molecule like 1; minus strand). Cytogenetic location: 11q23.3.
Variant type: single nucleotide variant.
Coding change: c.3084G>T on transcript NM_020693.4 (MANE Select); coding-DNA position 3084, G replaced by T.
Protein change: p.Glu1028Asp; replaces glutamic acid 1028 with aspartic acid.
Molecular consequence: missense variant.
Genome position (GRCh38, 1-based): chr11:117,465,123, C>A on the plus strand (G>T on the coding strand, the complement: DSCAML1 is on the minus strand). VCF-style: chr11-117465123-C-A. GRCh37 (hg19) VCF-style: chr11-117335839-C-A.
Other names: short protein forms E1028D.
Identifiers: ClinVar variation 4812114 (VCV004812114.1).

ClinVar aggregate classification (germline): Uncertain significance (1 of 4 stars; one submission).

gnomAD v4.1: 3 of 1,614,020 alleles (0.00019%); highest among the groups gnomAD compares: Non-Finnish European, 0.00025%; no homozygotes.

Submission:

Labcorp Genetics (formerly Invitae), Labcorp
Classification: Uncertain significance. Last evaluated: 2025-06-17. Review status: criteria provided, single submitter. Criteria: Invitae Variant Classification Sherloc (09022015). Collection method: clinical testing. Allele origin: germline.
Comment: This sequence change replaces glutamic acid, which is acidic and polar, with aspartic acid, which is acidic and polar, at codon 1088 of the DSCAML1 protein (p.Glu1088Asp). This variant is present in population databases (rs775365936, gnomAD 0.0009%). This variant has not been reported in the literature in individuals affected with DSCAML1-related conditions. An algorithm developed to predict the effect of missense changes on protein structure and function (PolyPhen-2) suggests that this variant is likely to be disruptive. In summary, the available evidence is currently insufficient to determine the role of this variant in disease. Therefore, it has been classified as a Variant of Uncertain Significance.